The following is an entry in ClinVar:

NM_000543.5(SMPD1):c.106_107insCGCTGGCGCTGG (p.Leu35_Val36insAlaLeuAlaLeu)

Gene: SMPD1 (sphingomyelin phosphodiesterase 1; plus strand). Cytogenetic location: 11p15.4.
Variant type: Insertion.
Coding change: c.106_107insCGCTGGCGCTGG on transcript NM_000543.5 (MANE Select); coding-DNA positions 106 to 107, CGCTGGCGCTGG inserted.
Protein change: p.Leu35_Val36insAlaLeuAlaLeu.
Molecular consequence: inframe insertion. On other transcripts: 5 prime UTR variant (1), non-coding transcript variant (2).
Genome position: GRCh38 VCF-style: chr11-6390700-C-CCTGGCGCTGGCG. GRCh37 (hg19) VCF-style: chr11-6411930-C-CCTGGCGCTGGCG.
Other names: c.106_107insCGCTGGCGCTGG, p.Leu35_Val36insAlaLeuAlaLeu (NM_001007593.3, NM_001318087.2, NM_001365135.2); c.-856_-855insCGCTGGCGCTGG (NM_001318088.2).
Identifiers: ClinVar variation 968932 (VCV000968932.30), dbSNP rs1554933800, ClinGen allele CA472909376.

ClinVar aggregate classification (germline): Conflicting classifications of pathogenicity. Review status: criteria provided, conflicting classifications (1 of 4 stars). 4 submissions from 4 submitters: Uncertain significance (1); Benign (1); Likely benign (1). 1 of the submissions does not count toward it. Last evaluated 2026-02-02.

Conditions:
Niemann-Pick disease, type A. Also called: Infantile Neurovisceral ASMD (Niemann-Pick Disease Type A; NPD-A); SPHINGOMYELIN LIPIDOSIS; SPHINGOMYELINASE DEFICIENCY. Identifiers: Orphanet 77292, MedGen C0268242, MONDO:0009756, OMIM 257200. Disease mechanism: loss of function.
Niemann-Pick disease, type B. Also called: Chronic Visceral ASMD (Niemann-Pick Disease Type B; NPD-B). Identifiers: Orphanet 77293, MedGen C0268243, MONDO:0011871, OMIM 607616. Disease mechanism: loss of function.
Intellectual disability. Also called: Intellectual developmental disorder; intellectual disabilities; Intellectual functioning disability. Identifiers: MedGen C3714756, MeSH D008607, MONDO:0001071, HP:0001249.

Submissions (4):

Labcorp Genetics (formerly Invitae), Labcorp
Classification: Benign for Niemann-Pick disease, type B; Niemann-Pick disease, type A. Last evaluated: 2026-02-02. Review status: criteria provided, single submitter. Criteria: Invitae Variant Classification Sherloc (09022015). Collection method: clinical testing. Allele origin: germline.

CeGaT Center for Human Genetics Tuebingen
Classification: Likely benign. Last evaluated: 2024-07-01. Review status: criteria provided, single submitter. Criteria: CeGaT Center For Human Genetics Tuebingen Variant Classification Criteria Version 2. Collection method: clinical testing. Allele origin: germline. Affected: yes. Observed: 2 variant alleles.
Comment: SMPD1: BP3, BS2

Cambridge Genomics Laboratory, East Genomic Laboratory Hub, NHS Genomic Medicine Service
Classification: Uncertain significance for Intellectual disability. Last evaluated: 2019-11-28. Review status: criteria provided, single submitter. Criteria: ACGS Best Practice Guidelines for Variant Classification in Rare Disease 2020. Collection method: clinical testing. Allele origin: germline. Affected: yes. Observed: 1 variant allele.

Natera, Inc.
Classification: Uncertain significance for Niemann-Pick Disease, Types A/B. Last evaluated: 2018-12-05. Review status: no assertion criteria provided. Collection method: clinical testing. Allele origin: germline. Not counted in ClinVar's aggregate classification.